The following is an entry in ClinVar:

ClinVar aggregate classification (germline): Uncertain significance (1 of 4 stars; one submission).

Submission:

Ambry Genetics
Classification: Uncertain significance. Last evaluated: 2024-11-16. Review status: criteria provided, single submitter. Criteria: Ambry Variant Classification Scheme 2023. Collection method: clinical testing. Allele origin: germline.
Comment: The p.R382L variant (also known as c.1145G>T), located in coding exon 10 of the RAD54L gene, results from a G to T substitution at nucleotide position 1145. The arginine at codon 382 is replaced by leucine, an amino acid with dissimilar properties. This amino acid position is conserved. In addition, the in silico prediction for this alteration is inconclusive. Based on the available evidence, the clinical significance of this variant remains unclear.

NM_003579.4(RAD54L):c.1145G>T (p.Arg382Leu)

Gene: RAD54L (RAD54 like; plus strand). Cytogenetic location: 1p34.1.
Variant type: single nucleotide variant.
Coding change: c.1145G>T on transcript NM_003579.4 (MANE Select); coding-DNA position 1145, G replaced by T.
Protein change: p.Arg382Leu; replaces arginine 382 with leucine.
Molecular consequence: missense variant.
Genome position (GRCh38, 1-based): chr1:46,270,761, G>T. VCF-style: chr1-46270761-G-T. GRCh37 (hg19) VCF-style: chr1-46736433-G-T.
Other names: c.1145G>T, p.Arg382Leu (NM_001142548.2); c.605G>T, p.Arg202Leu (NM_001370766.1); short protein forms R202L, R382L.
Identifiers: ClinVar variation 3429834 (VCV003429834.1).